The following is an entry in ClinVar:

NM_000718.4(CACNA1B):c.5351A>G (p.Asn1784Ser)

Gene: CACNA1B (calcium voltage-gated channel subunit alpha1 B; plus strand). Cytogenetic location: 9q34.3.
Variant type: single nucleotide variant.
Coding change: c.5351A>G on transcript NM_000718.4 (MANE Select); coding-DNA position 5351, A replaced by G.
Protein change: p.Asn1784Ser; replaces asparagine 1784 with serine.
Molecular consequence: missense variant.
Genome position (GRCh38, 1-based): chr9:138,105,730, A>G. VCF-style: chr9-138105730-A-G. GRCh37 (hg19) VCF-style: chr9-141000182-A-G.
Other names: c.5351A>G, p.Asn1784Ser (NM_001243812.2); short protein forms N1784S.
Identifiers: ClinVar variation 1992122 (VCV001992122.1), dbSNP rs116170058, ClinGen allele CA5377348.
Genomic context (GRCh38, chr9:138,105,730, plus strand): 5'-TGGCCCTGACCGGCCCTGCTTGTCCCTAGCGCCTGGTTCGCATGAACATGCCCATCTCCA[A>G]CGAGGACATGACTGTTCACTTCACGTCCACGCTGATGGCCCTCATCCGGACGGCACTGGA-3'
Protein context (NP_000709.1, residues 1774-1794): RLVRMNMPIS[Asn1784Ser]EDMTVHFTST

ClinVar aggregate classification (germline): Uncertain significance (1 of 4 stars; one submission).

Allele frequency attached by ClinVar (database versions not stated): TOPMed 0.00003; gnomAD 0.00005; gnomAD exomes 0.00005; ESP Exome Variant Server 0.00008; 1000 Genomes Project 30x 0.00016.
gnomAD v4.1: 79 of 1,564,192 alleles (0.0051%); highest among the groups gnomAD compares: Non-Finnish European, 0.0062%; no homozygotes.

Submission:

Labcorp Genetics (formerly Invitae), Labcorp
Classification: Uncertain significance. Last evaluated: 2022-08-05. Review status: criteria provided, single submitter. Criteria: Invitae Variant Classification Sherloc (09022015). Collection method: clinical testing. Allele origin: germline.
Comment: This sequence change replaces asparagine, which is neutral and polar, with serine, which is neutral and polar, at codon 1784 of the CACNA1B protein (p.Asn1784Ser). This variant is present in population databases (rs116170058, gnomAD 0.007%). This variant has not been reported in the literature in individuals affected with CACNA1B-related conditions. Advanced modeling of protein sequence and biophysical properties (such as structural, functional, and spatial information, amino acid conservation, physicochemical variation, residue mobility, and thermodynamic stability) performed at Invitae indicates that this missense variant is not expected to disrupt CACNA1B protein function. In summary, the available evidence is currently insufficient to determine the role of this variant in disease. Therefore, it has been classified as a Variant of Uncertain Significance.